The following is an entry in ClinVar:

NM_005720.4(ARPC1B):c.825C>T (p.Ala275=)

Gene: ARPC1B (actin related protein 2/3 complex subunit 1B; plus strand). Cytogenetic location: 7q22.1.
Variant type: single nucleotide variant.
Coding change: c.825C>T on transcript NM_005720.4 (MANE Select); coding-DNA position 825, C replaced by T.
Protein change: p.Ala275=; no amino-acid change (alanine 275 retained).
Molecular consequence: synonymous variant.
Genome position (GRCh38, 1-based): chr7:99,392,712, C>T. VCF-style: chr7-99392712-C-T. GRCh37 (hg19) VCF-style: chr7-98990335-C-T.
Other names: p.Ala275=; c.825C>T (NM_005720.3).
Identifiers: ClinVar variation 1664659 (VCV001664659.20), dbSNP rs530272604, ClinGen allele CA4364149.

ClinVar aggregate classification (germline): Benign/Likely benign. Review status: criteria provided, multiple submitters, no conflicts (2 of 4 stars). 5 submissions from 5 submitters: Benign (1); Likely benign (3). 1 of the submissions does not count toward it. Last evaluated 2025-11-24.

Conditions:
ARPC1B-related disorder. Also called: ARPC1B-related condition.

Allele frequency attached by ClinVar (database versions not stated): gnomAD exomes 0.00008 and 0.00023; ExAC 0.00041; 1000 Genomes Project 30x 0.00078; 1000 Genomes Project 0.00080; gnomAD 0.00113 and 0.00122; TOPMed 0.00134.
gnomAD v4.1: 305 of 1,547,050 alleles (0.02%); highest among the groups gnomAD compares: African/African-American, 0.36%; 1 homozygote.

Submissions (5):

Labcorp Genetics (formerly Invitae), Labcorp
Classification: Benign. Last evaluated: 2025-11-24. Review status: criteria provided, single submitter. Criteria: Invitae Variant Classification Sherloc (09022015). Collection method: clinical testing. Allele origin: germline.

Mayo Clinic Laboratories, Mayo Clinic
Classification: Likely benign. Last evaluated: 2025-09-30. Review status: criteria provided, single submitter. Criteria: ACMG Guidelines, 2015. Collection method: clinical testing. Allele origin: germline. Observed: 2 variant alleles.
Comment: BS1, BP4, BP7

CeGaT Center for Human Genetics Tuebingen
Classification: Likely benign. Last evaluated: 2025-06-01. Review status: criteria provided, single submitter. Criteria: CeGaT Center For Human Genetics Tuebingen Variant Classification Criteria Version 2. Collection method: clinical testing. Allele origin: germline. Affected: yes. Observed: 1 variant allele.
Comment: ARPC1B: BP4, BP7

Blueprint Genetics
Classification: Likely benign. Last evaluated: 2024-07-05. Review status: criteria provided, single submitter. Criteria: ACMG Guidelines, 2015. Collection method: clinical testing. Allele origin: germline.

PreventionGenetics, part of Exact Sciences
Classification: Likely benign for ARPC1B-related condition. Last evaluated: 2019-02-19. Review status: no assertion criteria provided. Collection method: clinical testing. Allele origin: germline. Not counted in ClinVar's aggregate classification.
Comment: This variant is classified as likely benign based on ACMG/AMP sequence variant interpretation guidelines (Richards et al. 2015 PMID: 25741868, with internal and published modifications).